The following is an entry in ClinVar:

ClinVar aggregate classification (germline): Benign/Likely benign. Review status: criteria provided, multiple submitters, no conflicts (2 of 4 stars). 4 submissions from 4 submitters: Benign (1); Likely benign (3). Last evaluated 2024-09-18.

Conditions:
Hereditary cancer-predisposing syndrome. Also called: Hereditary Cancer Syndrome; Neoplastic Syndromes, Hereditary; Tumor predisposition; Hereditary neoplastic syndrome. Identifiers: Orphanet 140162, MedGen C0027672, MeSH D009386, MONDO:0015356.
Hereditary diffuse gastric adenocarcinoma (HDGC). Also called: DIFFUSE GASTRIC AND LOBULAR BREAST CANCER SYNDROME. Identifiers: Orphanet 26106, MedGen C1708349, MONDO:0007648, OMIM 137215.

Submissions (4):

Myriad Genetics, Inc.
Classification: Benign for Hereditary diffuse gastric adenocarcinoma. Last evaluated: 2024-09-18. Review status: criteria provided, single submitter. Criteria: Myriad Autosomal Dominant, Autosomal Recessive and X-Linked Classification Criteria (2023). Collection method: clinical testing. Allele origin: unknown.
Comment: This variant is considered benign. This variant is a silent/synonymous amino acid change and it is not expected to impact splicing.

Labcorp Genetics (formerly Invitae), Labcorp
Classification: Likely benign for Hereditary diffuse gastric adenocarcinoma. Last evaluated: 2022-10-04. Review status: criteria provided, single submitter. Criteria: Invitae Variant Classification Sherloc (09022015). Collection method: clinical testing. Allele origin: germline.

Color Diagnostics, LLC DBA Color Health
Classification: Likely benign for Hereditary cancer-predisposing syndrome. Last evaluated: 2018-12-14. Review status: criteria provided, single submitter. Criteria: ACMG Guidelines, 2015. Collection method: clinical testing. Allele origin: germline.

Ambry Genetics
Classification: Likely benign for Hereditary cancer-predisposing syndrome. Last evaluated: 2015-05-25. Review status: criteria provided, single submitter. Criteria: Ambry Variant Classification Scheme 2023. Collection method: clinical testing. Allele origin: germline.

NM_004360.5(CDH1):c.1218C>T (p.Thr406=)

Gene: CDH1 (cadherin 1; plus strand). Cytogenetic location: 16q22.1.
Variant type: single nucleotide variant.
Coding change: c.1218C>T on transcript NM_004360.5 (MANE Select); coding-DNA position 1218, C replaced by T.
Protein change: p.Thr406=; no amino-acid change (threonine 406 retained).
Molecular consequence: synonymous variant. On other transcripts: 5 prime UTR variant (2), intron variant (1).
Genome position (GRCh38, 1-based): chr16:68,813,393, C>T. VCF-style: chr16-68813393-C-T. GRCh37 (hg19) VCF-style: chr16-68847296-C-T.
Other names: c.-398C>T (NM_001317185.2); c.-602C>T (NM_001317186.2); c.1137+1130C>T (NM_001317184.2); c.1218C>T (LRG_301t1).
Identifiers: ClinVar variation 231989 (VCV000231989.16), dbSNP rs876659476, ClinGen allele CA10580106.